The following is an entry in ClinVar:

NM_173354.5(SIK1):c.153G>T (p.Thr51=)

Gene: SIK1 (salt inducible kinase 1; minus strand). Cytogenetic location: 21q22.3.
Variant type: single nucleotide variant.
Coding change: c.153G>T on transcript NM_173354.5 (MANE Select); coding-DNA position 153, G replaced by T.
Protein change: p.Thr51=; no amino-acid change (threonine 51 retained).
Molecular consequence: synonymous variant.
Genome position (GRCh38, 1-based): chr21:43,426,026, C>A on the plus strand (G>T on the coding strand, the complement: SIK1 is on the minus strand). VCF-style: chr21-43426026-C-A. GRCh37 (hg19) VCF-style: chr21-44845906-C-A.
Identifiers: ClinVar variation 4535395 (VCV004535395.6).
Genomic context (GRCh38, chr21:43,426,026, plus strand): 5'-GTCGCCCCGGGTCCAGTGGGGAGGCCCCGCCGGCTGGGTCCCACCGCCCCCACGCACCTG[C>A]GTTTTGGTGACTCGATGCCGCGCCAGCTTCACCACCGCGAAGTTGCCTTTGCCCAGGGTC-3'
Protein context (NP_775490.2, residues 41-61): VKLARHRVTK[Thr51=]QVAIKIIDKT

ClinVar aggregate classification (germline): Likely benign (1 of 4 stars; one submission).

Submission:

CeGaT Center for Human Genetics Tuebingen
Classification: Likely benign. Last evaluated: 2025-11-01. Review status: criteria provided, single submitter. Criteria: CeGaT Center For Human Genetics Tuebingen Variant Classification Criteria Version 2. Collection method: clinical testing. Allele origin: germline. Affected: yes. Observed: 1 variant allele.
Comment: SIK1: PM2:Supporting, BP4, BP7